The following is an entry in ClinVar:

ClinVar aggregate classification (germline): Pathogenic (1 of 4 stars; one submission).

Submission:

Labcorp Genetics (formerly Invitae), Labcorp
Classification: Pathogenic. Last evaluated: 2022-07-12. Review status: criteria provided, single submitter. Criteria: Invitae Variant Classification Sherloc (09022015). Collection method: clinical testing. Allele origin: germline.
Comment: For these reasons, this variant has been classified as Pathogenic. ClinVar contains an entry for this variant (Variation ID: 1070986). This variant has not been reported in the literature in individuals affected with MTTP-related conditions. This variant is not present in population databases (gnomAD no frequency). This sequence change creates a premature translational stop signal (p.Gly97Glufs*14) in the MTTP gene. It is expected to result in an absent or disrupted protein product. Loss-of-function variants in MTTP are known to be pathogenic (PMID: 8533758, 9671739).

Literature cited by the submitters: PubMed 8533758; PubMed 9671739.

NM_001386140.1(MTTP):c.290del (p.Gly97fs)

Gene: MTTP (microsomal triglyceride transfer protein; plus strand). Cytogenetic location: 4q23.
Variant type: Deletion.
Coding change: c.290del on transcript NM_001386140.1 (MANE Select); coding-DNA position 290, one base deleted (G; older notation c.290delG).
Protein change: p.Gly97fs; shifts the reading frame from glycine 97.
Molecular consequence: frameshift variant.
Genome position (GRCh38, 1-based): chr4:99,583,414, G deleted; the last of 2 consecutive G bases (chr4:99,583,413-99,583,414); deleting either gives the same sequence. VCF-style (leftmost placement, unchanged base first): chr4-99583412-AG-A. GRCh37 (hg19) VCF-style: chr4-100504569-AG-A.
Other names: c.290del, p.Gly97fs (NM_000253.4); c.41del, p.Gly14fs (NM_001300785.2); short protein forms G14fs, G97fs.
Identifiers: ClinVar variation 1070986 (VCV001070986.5), dbSNP rs2110212658, ClinGen allele CA2499217351.
Genomic context (GRCh38, chr4:99,583,412, plus strand): 5'-AGCTTTCTTTCTGTTACTCCAGATGAAGGATGTAAATGTTGAAAATGTGAATCAGCAGAG[AG>A]GAGAGAAGAGCATCTTCAAAGGAAAAAGCCCATCTAAAATAATGGGAAAGGAAAACTTGG-3'